The following is an entry in ClinVar:

NM_005012.4(ROR1):c.1444T>A (p.Cys482Ser)

Gene: ROR1 (receptor tyrosine kinase like orphan receptor 1; plus strand). Cytogenetic location: 1p31.3.
Variant type: single nucleotide variant.
Coding change: c.1444T>A on transcript NM_005012.4 (MANE Select); coding-DNA position 1444, T replaced by A.
Protein change: p.Cys482Ser; replaces cysteine 482 with serine.
Molecular consequence: missense variant.
Genome position (GRCh38, 1-based): chr1:64,177,485, T>A. VCF-style: chr1-64177485-T-A. GRCh37 (hg19) VCF-style: chr1-64643168-T-A.
Other names: c.1444T>A (NM_005012.2); short protein forms C482S.
Identifiers: ClinVar variation 2878271 (VCV002878271.4), dbSNP rs773155144, ClinGen allele CA890289.

ClinVar aggregate classification (germline): Uncertain significance. Review status: criteria provided, multiple submitters, no conflicts (2 of 4 stars). 2 submissions from 2 submitters: Uncertain significance (2). Last evaluated 2024-02-28.

Allele frequency attached by ClinVar (database versions not stated): TOPMed below 0.00001; ExAC 0.00001.
gnomAD v4.1: 8 of 1,614,128 alleles (0.0005%); highest among the groups gnomAD compares: East Asian, 0.018%; no homozygotes.

Submissions (2):

Ambry Genetics
Classification: Uncertain significance. Last evaluated: 2024-02-28. Review status: criteria provided, single submitter. Criteria: Ambry Variant Classification Scheme 2023. Collection method: clinical testing. Allele origin: germline.

Labcorp Genetics (formerly Invitae), Labcorp
Classification: Uncertain significance. Last evaluated: 2022-11-29. Review status: criteria provided, single submitter. Criteria: Invitae Variant Classification Sherloc (09022015). Collection method: clinical testing. Allele origin: germline.
Comment: This variant is present in population databases (rs773155144, gnomAD 0.05%). This sequence change replaces cysteine, which is neutral and slightly polar, with serine, which is neutral and polar, at codon 482 of the ROR1 protein (p.Cys482Ser). This variant has not been reported in the literature in individuals affected with ROR1-related conditions. Advanced modeling of protein sequence and biophysical properties (such as structural, functional, and spatial information, amino acid conservation, physicochemical variation, residue mobility, and thermodynamic stability) performed at Invitae indicates that this missense variant is not expected to disrupt ROR1 protein function. In summary, the available evidence is currently insufficient to determine the role of this variant in disease. Therefore, it has been classified as a Variant of Uncertain Significance.